The following is an entry in ClinVar:

ClinVar aggregate classification (germline): Uncertain significance. Review status: criteria provided, multiple submitters, no conflicts (2 of 4 stars). 3 submissions from 3 submitters: Uncertain significance (3). Last evaluated 2024-10-17.

Conditions:
Congenital stationary night blindness 1E. Also called: Night blindness, congenital stationary (complete), 1E, autosomal recessive. Identifiers: Orphanet 215, MedGen C3281215, MONDO:0013807, OMIM 614565.

Allele frequency attached by ClinVar (database versions not stated): 1000 Genomes Project 30x 0.00031; 1000 Genomes Project 0.00040.
gnomAD v4.1: 84 of 1,613,866 alleles (0.0052%); highest among the groups gnomAD compares: East Asian, 0.031%; no homozygotes.

Submissions (3):

Blueprint Genetics
Classification: Uncertain significance. Last evaluated: 2024-10-17. Review status: criteria provided, single submitter. Criteria: ACMG Guidelines, 2015. Collection method: clinical testing. Allele origin: germline.

Labcorp Genetics (formerly Invitae), Labcorp
Classification: Uncertain significance. Last evaluated: 2022-10-12. Review status: criteria provided, single submitter. Criteria: Invitae Variant Classification Sherloc (09022015). Collection method: clinical testing. Allele origin: germline.
Comment: This sequence change replaces arginine, which is basic and polar, with glutamine, which is neutral and polar, at codon 639 of the GPR179 protein (p.Arg639Gln). This variant is present in population databases (rs62073369, gnomAD 0.04%). This variant has not been reported in the literature in individuals affected with GPR179-related conditions. ClinVar contains an entry for this variant (Variation ID: 1486461). Algorithms developed to predict the effect of missense changes on protein structure and function output the following: SIFT: "Tolerated"; PolyPhen-2: "Benign"; Align-GVGD: "Class C0". The glutamine amino acid residue is found in multiple mammalian species, which suggests that this missense change does not adversely affect protein function. Algorithms developed to predict the effect of sequence changes on RNA splicing suggest that this variant may create or strengthen a splice site. In summary, the available evidence is currently insufficient to determine the role of this variant in disease. Therefore, it has been classified as a Variant of Uncertain Significance.

Revvity Omics, Revvity
Classification: Uncertain significance for Congenital stationary night blindness 1E. Last evaluated: 2020-03-09. Review status: criteria provided, single submitter. Criteria: ACMG Guidelines, 2015. Collection method: clinical testing. Allele origin: germline.

NM_001004334.4(GPR179):c.1916G>A (p.Arg639Gln)

Gene: GPR179 (G protein-coupled receptor 179; minus strand). Cytogenetic location: 17q12.
Variant type: single nucleotide variant.
Coding change: c.1916G>A on transcript NM_001004334.4 (MANE Select); coding-DNA position 1916, G replaced by A.
Protein change: p.Arg639Gln; replaces arginine 639 with glutamine.
Molecular consequence: missense variant.
Genome position (GRCh38, 1-based): chr17:38,333,372, C>T on the plus strand (G>A on the coding strand, the complement: GPR179 is on the minus strand). VCF-style: chr17-38333372-C-T. GRCh37 (hg19) VCF-style: chr17-36489255-C-T.
Other names: short protein forms R639Q.
Identifiers: ClinVar variation 1486461 (VCV001486461.7), dbSNP rs62073369, ClinGen allele CA290107873.